The following is an entry in ClinVar:

NM_022051.3(EGLN1):c.1178C>G (p.Ala393Gly)

Gene: EGLN1 (egl-9 family hypoxia inducible factor 1; minus strand). Cytogenetic location: 1q42.2.
Variant type: single nucleotide variant.
Coding change: c.1178C>G on transcript NM_022051.3 (MANE Select); coding-DNA position 1178, C replaced by G.
Protein change: p.Ala393Gly; replaces alanine 393 with glycine.
Molecular consequence: missense variant. On other transcripts: 3 prime UTR variant (1), intron variant (1).
Genome position (GRCh38, 1-based): chr1:231,367,607, G>C on the plus strand (C>G on the coding strand, the complement: EGLN1 is on the minus strand). VCF-style: chr1-231367607-G-C. GRCh37 (hg19) VCF-style: chr1-231503353-G-C.
Other names: c.*3C>G (NM_001377261.1); c.1149-1132C>G (NM_001377260.1); short protein forms A393G.
Identifiers: ClinVar variation 3507233 (VCV003507233.2).

ClinVar aggregate classification (germline): Uncertain significance. Review status: criteria provided, multiple submitters, no conflicts (2 of 4 stars). 2 submissions from 2 submitters: Uncertain significance (2). Last evaluated 2025-02-25.

Conditions:
Erythrocytosis, familial, 3 (ECYT3). Identifiers: Orphanet 247511, MedGen C1853286, MONDO:0012353, OMIM 609820.

Submissions (2):

Labcorp Genetics (formerly Invitae), Labcorp
Classification: Uncertain significance for Erythrocytosis, familial, 3. Last evaluated: 2025-02-25. Review status: criteria provided, single submitter. Criteria: Invitae Variant Classification Sherloc (09022015). Collection method: clinical testing. Allele origin: germline.
Comment: This sequence change replaces alanine, which is neutral and non-polar, with glycine, which is neutral and non-polar, at codon 393 of the EGLN1 protein (p.Ala393Gly). This variant is not present in population databases (gnomAD no frequency). This variant has not been reported in the literature in individuals affected with EGLN1-related conditions. ClinVar contains an entry for this variant (Variation ID: 3507233). An algorithm developed to predict the effect of missense changes on protein structure and function (PolyPhen-2) suggests that this variant is likely to be tolerated. In summary, the available evidence is currently insufficient to determine the role of this variant in disease. Therefore, it has been classified as a Variant of Uncertain Significance.

Ambry Genetics
Classification: Uncertain significance. Last evaluated: 2024-10-12. Review status: criteria provided, single submitter. Criteria: Ambry Variant Classification Scheme 2023. Collection method: clinical testing. Allele origin: germline.
Comment: The p.A393G variant (also known as c.1178C>G), located in coding exon 4 of the EGLN1 gene, results from a C to G substitution at nucleotide position 1178. The alanine at codon 393 is replaced by glycine, an amino acid with similar properties. This amino acid position is conserved. In addition, the in silico prediction for this alteration is inconclusive. Based on the available evidence, the clinical significance of this variant remains unclear.